The following is an entry in ClinVar:

ClinVar aggregate classification (germline): Uncertain significance (1 of 4 stars; one submission).

Conditions:
Cardiovascular phenotype. Identifiers: MedGen CN230736.

Submission:

Ambry Genetics
Classification: Uncertain significance for Cardiovascular phenotype. Last evaluated: 2025-06-15. Review status: criteria provided, single submitter. Criteria: Ambry Variant Classification Scheme 2023. Collection method: clinical testing. Allele origin: germline.
Comment: The p.L413R variant (also known as c.1238T>G), located in coding exon 10 of the TRPM4 gene, results from a T to G substitution at nucleotide position 1238. The leucine at codon 413 is replaced by arginine, an amino acid with dissimilar properties. This amino acid position is conserved. In addition, this alteration is predicted to be deleterious by in silico analysis. Based on the available evidence, the clinical significance of this variant remains unclear.

NM_017636.4(TRPM4):c.1238T>G (p.Leu413Arg)

Gene: TRPM4 (transient receptor potential cation channel subfamily M member 4; plus strand). Cytogenetic location: 19q13.33.
Variant type: single nucleotide variant.
Coding change: c.1238T>G on transcript NM_017636.4 (MANE Select); coding-DNA position 1238, T replaced by G.
Protein change: p.Leu413Arg; replaces leucine 413 with arginine.
Molecular consequence: missense variant. On other transcripts: 5 prime UTR variant (1), intron variant (1).
Genome position (GRCh38, 1-based): chr19:49,181,436, T>G. VCF-style: chr19-49181436-T-G. GRCh37 (hg19) VCF-style: chr19-49684693-T-G.
Other names: c.1238T>G, p.Leu413Arg (NM_001195227.2); c.893T>G, p.Leu298Arg (NM_001321281.2); c.-316T>G (NM_001321282.2); c.716T>G, p.Leu239Arg (NM_001321283.2); c.202-1142T>G (NM_001321285.2); short protein forms L413R, L239R, L298R.
Identifiers: ClinVar variation 4191748 (VCV004191748.1).
Genomic context (GRCh38, chr19:49,181,436, plus strand): 5'-ACCTGGATGAGCTGCGTTTGGCTGTGGCTTGGAACCGCGTGGACATTGCCCAGAGTGAAC[T>G]CTTTCGGGGGGACATCCAATGGCGGGTGAGGGGTCAGGGCCTGGGGGTTGGGCATACTGA-3'
Protein context (NP_060106.2, residues 403-423): WNRVDIAQSE[Leu413Arg]FRGDIQWRSF